The following is an entry in ClinVar:

NM_003283.6(TNNT1):c.199C>T (p.His67Tyr)

Genes: TNNT1 (troponin T1, slow skeletal type; minus strand), LOC130065089 (ATAC-STARR-seq lymphoblastoid active region 15077; plus strand). Cytogenetic location: 19q13.42.
Variant type: single nucleotide variant.
Coding change: c.199C>T on transcript NM_003283.6 (MANE Select); coding-DNA position 199, C replaced by T.
Protein change: p.His67Tyr; replaces histidine 67 with tyrosine.
Molecular consequence: missense variant.
Genome position (GRCh38, 1-based): chr19:55,141,296, G>A on the plus strand (C>T on the coding strand, the complement: TNNT1 is on the minus strand). VCF-style: chr19-55141296-G-A. GRCh37 (hg19) VCF-style: chr19-55652664-G-A.
Other names: c.199C>T, p.His67Tyr (NM_001126132.3); c.166C>T, p.His56Tyr (NM_001126133.3, NM_001291774.2); short protein forms H56Y, H67Y.
Identifiers: ClinVar variation 1302658 (VCV001302658.2), dbSNP rs2147255176, ClinGen allele CA407435740.
Genomic context (GRCh38, chr19:55,141,296, plus strand): 5'-CGAAATGTACATCGATGAGTGTCTGCAGCTCCAGCAGGTCTTTCTCCATGCGCTTGCGGT[G>A]GATGTCCTGCAGGACACACGGGCAGCCCGTCCTAGGAGACCCTGGAGGGGGCAGCAGCCT-3'
Protein context (NP_003274.3, residues 57-77): EGERVDFDDI[His67Tyr]RKRMEKDLLE

ClinVar aggregate classification (germline): Uncertain significance (1 of 4 stars; one submission).

Allele frequency attached by ClinVar (database versions not stated): gnomAD exomes below 0.00001.

Submission:

GeneDx
Classification: Uncertain significance. Last evaluated: 2019-05-15. Review status: criteria provided, single submitter. Criteria: GeneDx Variant Classification Process June 2021. Collection method: clinical testing. Allele origin: germline. Affected: yes.
Comment: Not observed in large population cohorts (Lek et al., 2016); The majority of missense variants in this gene are considered pathogenic (Stenson et al., 2014); In silico analysis, which includes protein predictors and evolutionary conservation, supports a deleterious effect